The following is an entry in ClinVar:

ClinVar aggregate classification (germline): Pathogenic (1 of 4 stars; one submission).

Conditions:
Autosomal recessive osteopetrosis 1. Also called: ALBERS-SCHONBERG DISEASE, AUTOSOMAL RECESSIVE; TCIRG1-Related Autosomal Recessive Osteopetrosis; TCIRG1-Related Osteopetrosis. Identifiers: Orphanet 667, MedGen C1850127, MONDO:0009815, OMIM 259700.

Submission:

Myriad Genetics, Inc.
Classification: Pathogenic for Autosomal recessive osteopetrosis 1. Last evaluated: 2026-06-11. Review status: criteria provided, single submitter. Criteria: Myriad Autosomal Dominant, Autosomal Recessive and X-Linked Classification Criteria (2023). Collection method: clinical testing. Allele origin: unknown.
Comment: NM_006019.3(TCIRG1):c.1067delA(D356Afs*47) is expected to be pathogenic in the context of autosomal recessive osteopetrosis type 1. This variant is predicted to lead to an abnormal or absent protein product due to the creation of a premature termination codon in TCIRG1, a gene where loss-of-function variants are known to be pathogenic. Please note: this variant was assessed in the context of healthy population screening.

NM_006019.4(TCIRG1):c.1067del (p.Asp356fs)

Gene: TCIRG1 (T cell immune regulator 1, ATPase H+ transporting V0 subunit a3; plus strand). Cytogenetic location: 11q13.2.
Variant type: Deletion.
Coding change: c.1067del on transcript NM_006019.4 (MANE Select); coding-DNA position 1067, one base deleted (A; older notation c.1067delA).
Protein change: p.Asp356fs; shifts the reading frame from aspartic acid 356.
Molecular consequence: frameshift variant. On other transcripts: intron variant (1).
Genome position (GRCh38, 1-based): chr11:68,045,004, A deleted. VCF-style (leftmost placement, unchanged base first): chr11-68045003-GA-G. GRCh37 (hg19) VCF-style: chr11-67812470-GA-G.
Other names: c.173del, p.Asp58fs (NM_001351059.2); c.1067del, p.Asp356fs (NM_001440552.1, NM_001440553.1, NM_001440554.1 and 2 more transcripts); c.1025del, p.Asp342fs (NM_001440555.1, NM_001440556.1, NM_001440563.1); c.854del, p.Asp285fs (NM_001440559.1, NM_001440560.1, NM_001440561.1 and 3 more transcripts); c.812del, p.Asp271fs (NM_001440564.1); c.767del, p.Asp256fs (NM_001440565.1); c.599del, p.Asp200fs (NM_001440568.1); c.419del, p.Asp140fs (NM_006053.4); and 1 more; short protein forms D140fs, D200fs, D256fs, D271fs, D285fs, D342fs, D356fs, D58fs.
Identifiers: ClinVar variation 5016029 (VCV005016029.1).